The following is an entry in ClinVar:

NM_000722.4(CACNA2D1):c.3274T>C (p.Ter1092Arg)

Gene: CACNA2D1 (calcium voltage-gated channel auxiliary subunit alpha2delta 1; minus strand). Cytogenetic location: 7q21.11.
Variant type: single nucleotide variant.
Coding change: c.3274T>C on transcript NM_000722.4 (MANE Select); coding-DNA position 3274, T replaced by C.
Protein change: p.Ter1092Arg.
Molecular consequence: stop lost.
Genome position (GRCh38, 1-based): chr7:81,950,394, A>G on the plus strand (T>C on the coding strand, the complement: CACNA2D1 is on the minus strand). VCF-style: chr7-81950394-A-G. GRCh37 (hg19) VCF-style: chr7-81579710-A-G.
Other names: c.3310T>C, p.Ter1104Arg (NM_001366867.1).
Identifiers: ClinVar variation 1729659 (VCV001729659.8), dbSNP rs759988243, ClinGen allele CA4317321.

ClinVar aggregate classification (germline): Uncertain significance. Review status: criteria provided, multiple submitters, no conflicts (2 of 4 stars). 2 submissions from 2 submitters: Uncertain significance (2). Last evaluated 2025-05-19.

Conditions:
Cardiovascular phenotype. Identifiers: MedGen CN230736.
Brugada syndrome. Also called: Sudden Unexplained Death Syndrome; Sudden Unexplained Nocturnal Death Syndrome (SUNDS); Sudden unexplained nocturnal death syndrome; Sudden unexpected nocturnal death syndrome. Identifiers: Orphanet 130, MedGen C1142166, MONDO:0015263.

Allele frequency attached by ClinVar (database versions not stated): TOPMed below 0.00001; gnomAD 0.00001; gnomAD exomes 0.00001; ExAC 0.00002.
gnomAD v4.1: 14 of 1,613,222 alleles (0.00087%); highest among the groups gnomAD compares: Admixed American, 0.0033%; no homozygotes.

Submissions (2):

Labcorp Genetics (formerly Invitae), Labcorp
Classification: Uncertain significance for Brugada syndrome. Last evaluated: 2025-05-19. Review status: criteria provided, single submitter. Criteria: Invitae Variant Classification Sherloc (09022015). Collection method: clinical testing. Allele origin: germline.
Comment: This sequence change disrupts the translational stop signal of the CACNA2D1 mRNA. It is expected to extend the length of the CACNA2D1 protein by 25 additional amino acid residues. This variant is present in population databases (rs759988243, gnomAD 0.003%). This variant has not been reported in the literature in individuals affected with CACNA2D1-related conditions. ClinVar contains an entry for this variant (Variation ID: 1729659). Experimental studies and prediction algorithms are not available or were not evaluated, and the functional significance of this variant is currently unknown. In summary, the available evidence is currently insufficient to determine the role of this variant in disease. Therefore, it has been classified as a Variant of Uncertain Significance.

Ambry Genetics
Classification: Uncertain significance for Cardiovascular phenotype. Last evaluated: 2024-07-19. Review status: criteria provided, single submitter. Criteria: Ambry Variant Classification Scheme 2023. Collection method: clinical testing. Allele origin: germline.
Comment: The c.3274T>C variant (also known as p.*1092Rext*25), located in coding exon 39 of the CACNA2D1 gene, results from a T to C substitution at nucleotide position 3274. This alteration disrupts the stop codon of the CACNA2D1 gene and is predicted to preserve the native sequence while resulting in the elongation of the protein by 25 amino acids. The exact functional effect of the additional amino acids is unknown. In addition, loss of function of CACNA2D1 has not been clearly established as a mechanism of disease. The evidence for this gene-disease relationship is limited; therefore, the clinical significance of this alteration is unclear.